The following is an entry in ClinVar:

NM_001164508.2(NEB):c.8315T>G (p.Met2772Arg)

Gene: NEB (nebulin; minus strand). Cytogenetic location: 2q23.3.
Variant type: single nucleotide variant.
Coding change: c.8315T>G on transcript NM_001164508.2 (MANE Select); coding-DNA position 8315, T replaced by G.
Protein change: p.Met2772Arg; replaces methionine 2772 with arginine.
Molecular consequence: missense variant.
Genome position (GRCh38, 1-based): chr2:151,642,632, A>C on the plus strand (T>G on the coding strand, the complement: NEB is on the minus strand). VCF-style: chr2-151642632-A-C. GRCh37 (hg19) VCF-style: chr2-152499146-A-C.
Other names: c.8315T>G, p.Met2772Arg (NM_001164507.2, NM_001271208.2, NM_004543.5); short protein forms M2772R.
Identifiers: ClinVar variation 643771 (VCV000643771.8), dbSNP rs1574896797, ClinGen allele CA348812607.

ClinVar aggregate classification (germline): Uncertain significance (1 of 4 stars; one submission).

Conditions:
Nemaline myopathy 2 (NEM2). Also called: Nemaline myopathy 2, autosomal recessive. Identifiers: MedGen C1850569, MONDO:0009725, OMIM 256030.

Submission:

Labcorp Genetics (formerly Invitae), Labcorp
Classification: Uncertain significance for Nemaline myopathy 2. Last evaluated: 2021-09-01. Review status: criteria provided, single submitter. Criteria: Invitae Variant Classification Sherloc (09022015). Collection method: clinical testing. Allele origin: germline.
Comment: This sequence change replaces methionine with arginine at codon 2772 of the NEB protein (p.Met2772Arg). The methionine residue is moderately conserved and there is a moderate physicochemical difference between methionine and arginine. This variant is not present in population databases (ExAC no frequency). This missense change has been observed in individual(s) with nemaline myopathy (Invitae). In at least one individual the data is consistent with the variant being in trans (on the opposite chromosome) from a pathogenic variant. Algorithms developed to predict the effect of missense changes on protein structure and function are either unavailable or do not agree on the potential impact of this missense change (SIFT: "Deleterious"; PolyPhen-2: "Not Available"; Align-GVGD: "Class C0"). In summary, the available evidence is currently insufficient to determine the role of this variant in disease. Therefore, it has been classified as a Variant of Uncertain Significance.